The following is an entry in ClinVar:

ClinVar aggregate classification (germline): Uncertain significance (1 of 4 stars; one submission).

Allele frequency attached by ClinVar (database versions not stated): gnomAD exomes below 0.00001.
gnomAD v4.1: 2 of 1,613,918 alleles (0.00012%); highest among the groups gnomAD compares: Middle Eastern, 0.016%; no homozygotes.

Submission:

GeneDx
Classification: Uncertain significance. Last evaluated: 2025-12-30. Review status: criteria provided, single submitter. Criteria: GeneDx Variant Classification Process June 2021. Collection method: clinical testing. Allele origin: germline.
Comment: Not observed at significant frequency in large population cohorts (gnomAD); In silico analysis suggests that this missense variant does not alter protein structure/function; Has not been previously published as pathogenic or benign to our knowledge

NM_173560.4(RFX6):c.2435A>C (p.His812Pro)

Gene: RFX6 (regulatory factor X6; plus strand). Cytogenetic location: 6q22.1.
Variant type: single nucleotide variant.
Coding change: c.2435A>C on transcript NM_173560.4 (MANE Select); coding-DNA position 2435, A replaced by C.
Protein change: p.His812Pro; replaces histidine 812 with proline.
Molecular consequence: missense variant.
Genome position (GRCh38, 1-based): chr6:116,928,795, A>C. VCF-style: chr6-116928795-A-C. GRCh37 (hg19) VCF-style: chr6-117249958-A-C.
Other names: short protein forms H812P.
Identifiers: ClinVar variation 2573940 (VCV002573940.2), dbSNP rs1562149885, ClinGen allele CA365436880.